The following is an entry in ClinVar:

ClinVar aggregate classification (germline): Uncertain significance (1 of 4 stars; one submission).

Allele frequency attached by ClinVar (database versions not stated): TOPMed 0.00004; gnomAD 0.00005; ExAC 0.00007; ESP Exome Variant Server 0.00008; 1000 Genomes Project 30x 0.00031; 1000 Genomes Project 0.00040.
gnomAD v4.1: 40 of 1,613,536 alleles (0.0025%); highest among the groups gnomAD compares: East Asian, 0.0089%; no homozygotes.

Submission:

Ambry Genetics
Classification: Uncertain significance. Last evaluated: 2024-03-31. Review status: criteria provided, single submitter. Criteria: Ambry Variant Classification Scheme 2023. Collection method: clinical testing. Allele origin: germline.
Comment: The c.1859G>A (p.R620Q) alteration is located in exon (coding exon ) of the SH3RF3 gene. This alteration results from a G to A substitution at nucleotide position 1859, causing the arginine (R) at amino acid position 620 to be replaced by a glutamine (Q). Based on insufficient or conflicting evidence, the clinical significance of this alteration remains unclear.

NM_001099289.3(SH3RF3):c.1859G>A (p.Arg620Gln)

Genes: RANBP2 (RAN binding protein 2; plus strand), SH3RF3 (SH3 domain containing ring finger 3; plus strand). Cytogenetic location: 2q13.
Variant type: single nucleotide variant.
Coding change: c.1859G>A on transcript NM_001099289.3 (MANE Select); coding-DNA position 1859, G replaced by A.
Protein change: p.Arg620Gln; replaces arginine 620 with glutamine.
Molecular consequence: missense variant.
Genome position (GRCh38, 1-based): chr2:109,449,200, G>A. VCF-style: chr2-109449200-G-A. GRCh37 (hg19) VCF-style: chr2-110065656-G-A.
Other names: short protein forms R620Q.
Identifiers: ClinVar variation 2272222 (VCV002272222.3), dbSNP rs376984287, ClinGen allele CA1825780.